The following is an entry in ClinVar:

ClinVar aggregate classification (germline): Uncertain significance. Review status: criteria provided, multiple submitters, no conflicts (2 of 4 stars). 2 submissions from 2 submitters: Uncertain significance (2). Last evaluated 2024-02-14.

gnomAD v4.1: 2 of 1,613,754 alleles (0.00012%); highest among the groups gnomAD compares: African/African-American, 0.0013%; no homozygotes.

Submissions (2):

GeneDx
Classification: Uncertain significance. Last evaluated: 2024-02-14. Review status: criteria provided, single submitter. Criteria: GeneDx Variant Classification Process June 2021. Collection method: clinical testing. Allele origin: germline. Affected: yes.
Comment: Not observed at significant frequency in large population cohorts (gnomAD); In silico analysis supports that this missense variant has a deleterious effect on protein structure/function; Has not been previously published as pathogenic or benign to our knowledge

Blueprint Genetics
Classification: Uncertain significance. Last evaluated: 2018-10-02. Review status: criteria provided, single submitter. Criteria: ACMG Guidelines, 2015. Collection method: clinical testing. Allele origin: germline.

NM_002496.4(NDUFS8):c.197G>C (p.Arg66Pro)

Gene: NDUFS8 (NADH:ubiquinone oxidoreductase core subunit S8; plus strand). Cytogenetic location: 11q13.2.
Variant type: single nucleotide variant.
Coding change: c.197G>C on transcript NM_002496.4 (MANE Select); coding-DNA position 197, G replaced by C.
Protein change: p.Arg66Pro; replaces arginine 66 with proline.
Molecular consequence: missense variant.
Genome position (GRCh38, 1-based): chr11:68,033,010, G>C. VCF-style: chr11-68033010-G-C. GRCh37 (hg19) VCF-style: chr11-67800477-G-C.
Other names: short protein forms R66P.
Identifiers: ClinVar variation 3369198 (VCV003369198.2).